The following is an entry in ClinVar:

NM_002047.4(GARS1):c.2159A>C (p.Glu720Ala)

Gene: GARS1 (glycyl-tRNA synthetase 1; plus strand). Cytogenetic location: 7p14.3.
Variant type: single nucleotide variant.
Coding change: c.2159A>C on transcript NM_002047.4 (MANE Select); coding-DNA position 2159, A replaced by C.
Protein change: p.Glu720Ala; replaces glutamic acid 720 with alanine.
Molecular consequence: missense variant.
Genome position (GRCh38, 1-based): chr7:30,633,799, A>C. VCF-style: chr7-30633799-A-C. GRCh37 (hg19) VCF-style: chr7-30673415-A-C.
Other names: c.2159A>C (LRG_243t1); c.1997A>C, p.Glu666Ala (NM_001316772.1); short protein forms E720A, E666A.
Identifiers: ClinVar variation 585901 (VCV000585901.11), dbSNP rs530891983, ClinGen allele CA4206173.

ClinVar aggregate classification (germline): Conflicting classifications of pathogenicity. Review status: criteria provided, conflicting classifications (1 of 4 stars). 4 submissions from 4 submitters: Uncertain significance (3); Likely benign (1). Last evaluated 2026-01-07.

Conditions:
Charcot-Marie-Tooth disease type 2. Also called: Charcot-Marie-Tooth type 2. Identifiers: Orphanet 64746, MedGen C0270914, MONDO:0018993.
Charcot-Marie-Tooth disease type 2D (CMT2D). Also called: Charcot-Marie-Tooth Neuropathy Type 2D; GARS1 Adolescent- or Early Adult-Onset Hereditary Motor/Sensory Neuropathy (GARS1-HMSN); CHARCOT-MARIE-TOOTH DISEASE, AXONAL, TYPE 2D; CHARCOT-MARIE-TOOTH DISEASE, NEURONAL, TYPE 2D. Identifiers: Orphanet 99938, MedGen C1832274, MONDO:0011091, OMIM 601472.

Allele frequency attached by ClinVar (database versions not stated): gnomAD 0.00001; TOPMed 0.00001; ExAC 0.00002; gnomAD exomes 0.00002.
gnomAD v4.1: 11 of 1,608,106 alleles (0.00068%); highest among the groups gnomAD compares: Admixed American, 0.018%; no homozygotes.

Submissions (4):

Labcorp Genetics (formerly Invitae), Labcorp
Classification: Likely benign for Charcot-Marie-Tooth disease type 2. Last evaluated: 2026-01-07. Review status: criteria provided, single submitter. Criteria: Invitae Variant Classification Sherloc (09022015). Collection method: clinical testing. Allele origin: germline.

Ambry Genetics
Classification: Uncertain significance. Last evaluated: 2021-08-23. Review status: criteria provided, single submitter. Criteria: Ambry Variant Classification Scheme 2023. Collection method: clinical testing. Allele origin: germline.

Baylor Genetics
Classification: Uncertain significance for Charcot-Marie-Tooth disease type 2D. Last evaluated: 2018-07-19. Review status: criteria provided, single submitter. Criteria: ACMG Guidelines, 2015. Collection method: clinical testing. Allele origin: maternal. Affected: yes.
Comment: This variant was determined to be of uncertain significance according to ACMG Guidelines, 2015 [PMID:25741868].

Athena Diagnostics
Classification: Uncertain significance. Last evaluated: 2017-09-18. Review status: criteria provided, single submitter. Criteria: Athena Diagnostics Criteria. Collection method: clinical testing. Allele origin: germline.